The following is an entry in ClinVar:

NM_002860.4(ALDH18A1):c.2001G>A (p.Glu667=)

Gene: ALDH18A1 (aldehyde dehydrogenase 18 family member A1; minus strand). Cytogenetic location: 10q24.1.
Variant type: single nucleotide variant.
Coding change: c.2001G>A on transcript NM_002860.4 (MANE Select); coding-DNA position 2001, G replaced by A.
Protein change: p.Glu667=; no amino-acid change (glutamic acid 667 retained).
Molecular consequence: synonymous variant.
Genome position (GRCh38, 1-based): chr10:95,611,365, C>T on the plus strand (G>A on the coding strand, the complement: ALDH18A1 is on the minus strand). VCF-style: chr10-95611365-C-T. GRCh37 (hg19) VCF-style: chr10-97371122-C-T.
Other names: p.Glu667=; c.1995G>A, p.Glu665= (NM_001017423.2, NM_001323415.2); c.1668G>A, p.Glu556= (NM_001323412.2, NM_001323416.2); c.2001G>A, p.Glu667= (NM_001323413.2, NM_001323414.2); c.1896G>A, p.Glu632= (NM_001323417.2); c.1662G>A, p.Glu554= (NM_001323418.2); c.1365G>A, p.Glu455= (NM_001323419.2).
Identifiers: ClinVar variation 301760 (VCV000301760.43), dbSNP rs78731297, ClinGen allele CA5620168.

ClinVar aggregate classification (germline): Benign/Likely benign. Review status: criteria provided, multiple submitters, no conflicts (2 of 4 stars). 7 submissions from 7 submitters: Benign (6); Likely benign (1). Last evaluated 2026-02-02.

Conditions:
ALDH18A1-related de Barsy syndrome. Also called: Cutis laxa, autosomal recessive IIIA; DE BARSY SYNDROME A. Identifiers: Orphanet 2962, Orphanet 35664, MedGen C5234852, MONDO:0009053, OMIM 219150.
Cutis laxa, autosomal dominant 3 (ADCL3). Identifiers: Orphanet 90348, MedGen C4225268, MONDO:0014706, OMIM 616603.
Autosomal dominant spastic paraplegia type 9. Identifiers: MedGen C1832669, MONDO:0015091.
de Barsy syndrome. Also called: Cutis laxa-corneal clouding-oligophrenia syndrome. Identifiers: Orphanet 2962, MedGen C0268354, MONDO:0017569.

Allele frequency attached by ClinVar (database versions not stated): gnomAD exomes 0.00029 and 0.00082; ExAC 0.00097; gnomAD 0.00308 and 0.00326; TOPMed 0.00343; 1000 Genomes Project 30x 0.00375; 1000 Genomes Project 0.00379; ESP Exome Variant Server 0.00431.
gnomAD v4.1: 920 of 1,614,204 alleles (0.057%); highest among the groups gnomAD compares: African/African-American, 1.1%; 5 homozygotes.

Submissions (7):

Labcorp Genetics (formerly Invitae), Labcorp
Classification: Benign for Autosomal dominant spastic paraplegia type 9; de Barsy syndrome; Cutis laxa, autosomal dominant 3. Last evaluated: 2026-02-02. Review status: criteria provided, single submitter. Criteria: Invitae Variant Classification Sherloc (09022015). Collection method: clinical testing. Allele origin: germline.

Mayo Clinic Laboratories, Mayo Clinic
Classification: Benign. Last evaluated: 2025-09-23. Review status: criteria provided, single submitter. Criteria: ACMG Guidelines, 2015. Collection method: clinical testing. Allele origin: germline. Observed: 1 variant allele.
Comment: BA1, BP4, BP7

Blueprint Genetics
Classification: Likely benign. Last evaluated: 2024-09-16. Review status: criteria provided, single submitter. Criteria: ACMG Guidelines, 2015. Collection method: clinical testing. Allele origin: germline.

CeGaT Center for Human Genetics Tuebingen
Classification: Benign. Last evaluated: 2023-12-01. Review status: criteria provided, single submitter. Criteria: CeGaT Center For Human Genetics Tuebingen Variant Classification Criteria Version 2. Collection method: clinical testing. Allele origin: germline. Affected: yes. Observed: 3 variant alleles.
Comment: ALDH18A1: BP4, BP7, BS1, BS2

GeneDx
Classification: Benign. Last evaluated: 2019-07-31. Review status: criteria provided, single submitter. Criteria: GeneDx Variant Classification Process June 2021. Collection method: clinical testing. Allele origin: germline. Affected: yes.

Illumina Laboratory Services, Illumina
Classification: Benign for ALDH18A1-related de Barsy syndrome. Last evaluated: 2018-01-12. Review status: criteria provided, single submitter. Criteria: ICSL Variant Classification Criteria 13 December 2019. Collection method: clinical testing. Allele origin: germline.
Comment: This variant was observed in the ICSL laboratory as part of a predisposition screen in an ostensibly healthy population. It had not been previously curated by ICSL or reported in the Human Gene Mutation Database (HGMD: prior to June 1st, 2018), and was therefore a candidate for classification through an automated scoring system. Utilizing variant allele frequency, disease prevalence and penetrance estimates, and inheritance mode, an automated score was calculated to assess if this variant is too frequent to cause the disease. Based on the score and internal cut-off values, a variant classified as benign is not then subjected to further curation. The score for this variant resulted in a classification of benign for this disease.

Breakthrough Genomics
Classification: Benign. Review status: criteria provided, single submitter. Criteria: ACMG Guidelines, 2015. Collection method: not provided. Allele origin: germline. Inheritance: Autosomal recessive inheritance. Affected: yes.